The following is an entry in ClinVar:

NM_005184.4(CALM3):c.306C>T (p.Ser102=)

Gene: CALM3 (calmodulin 3; plus strand). Cytogenetic location: 19q13.32.
Variant type: single nucleotide variant.
Coding change: c.306C>T on transcript NM_005184.4 (MANE Select); coding-DNA position 306, C replaced by T.
Protein change: p.Ser102=; no amino-acid change (serine 102 retained).
Molecular consequence: synonymous variant.
Genome position (GRCh38, 1-based): chr19:46,608,866, C>T. VCF-style: chr19-46608866-C-T. GRCh37 (hg19) VCF-style: chr19-47112123-C-T.
Other names: c.198C>T, p.Ser66= (NM_001329921.1, NM_001329923.1, NM_001329924.2 and 2 more transcripts); c.306C>T, p.Ser102= (NM_001329922.1).
Identifiers: ClinVar variation 415843 (VCV000415843.21), dbSNP rs146819515, ClinGen allele CA9529817.

ClinVar aggregate classification (germline): Benign/Likely benign. Review status: criteria provided, multiple submitters, no conflicts (2 of 4 stars). 8 submissions from 8 submitters: Benign (4); Likely benign (4). Last evaluated 2026-08-01.

Conditions:
Cardiovascular phenotype. Identifiers: MedGen CN230736.
Long QT syndrome 1 (LQT1). Identifiers: Orphanet 101016, Orphanet 768, MedGen C4551647, MONDO:0100316, OMIM 192500, MONDO:0008646.

Allele frequency attached by ClinVar (database versions not stated): gnomAD exomes 0.00029 and 0.00068; ExAC 0.00084; 1000 Genomes Project 0.00140; 1000 Genomes Project 30x 0.00203; gnomAD 0.00212 and 0.00227; TOPMed 0.00246; ESP Exome Variant Server 0.00354.
gnomAD v4.1: 755 of 1,574,092 alleles (0.048%); highest among the groups gnomAD compares: African/African-American, 0.68%; 1 homozygote.

Submissions (8):

CeGaT Center for Human Genetics Tuebingen
Classification: Likely benign. Last evaluated: 2026-08-01. Review status: criteria provided, single submitter. Criteria: CeGaT Center For Human Genetics Tuebingen Variant Classification Criteria Version 2. Collection method: clinical testing. Allele origin: germline. Affected: yes. Observed: 1 variant allele.
Comment: CALM3: BP4, BP7

Labcorp Genetics (formerly Invitae), Labcorp
Classification: Benign for Long QT syndrome 1. Last evaluated: 2026-02-03. Review status: criteria provided, single submitter. Criteria: Invitae Variant Classification Sherloc (09022015). Collection method: clinical testing. Allele origin: germline.

Molecular Diagnostic Laboratory for Inherited Cardiovascular Disease, Montreal Heart Institute
Classification: Benign. Last evaluated: 2025-04-09. Review status: criteria provided, single submitter. Criteria: ACMG Guidelines, 2015. Collection method: clinical testing. Allele origin: germline. Affected: no.

ARUP Laboratories, Molecular Genetics and Genomics, ARUP Laboratories
Classification: Benign. Last evaluated: 2025-03-25. Review status: criteria provided, single submitter. Criteria: ARUP Molecular Germline Variant Investigation Process 2024. Collection method: clinical testing. Allele origin: germline.

Women's Health and Genetics/Laboratory Corporation of America, LabCorp
Classification: Benign. Last evaluated: 2025-02-03. Review status: criteria provided, single submitter. Criteria: LabCorp Variant Classification Summary - May 2015. Collection method: clinical testing. Allele origin: germline.

Blueprint Genetics
Classification: Likely benign. Last evaluated: 2024-08-06. Review status: criteria provided, single submitter. Criteria: ACMG Guidelines, 2015. Collection method: clinical testing. Allele origin: germline.

GeneDx
Classification: Likely benign. Last evaluated: 2020-11-25. Review status: criteria provided, single submitter. Criteria: GeneDx Variant Classification Process June 2021. Collection method: clinical testing. Allele origin: germline. Affected: yes.

Ambry Genetics
Classification: Likely benign for Cardiovascular phenotype. Last evaluated: 2019-01-09. Review status: criteria provided, single submitter. Criteria: Ambry Variant Classification Scheme 2023. Collection method: clinical testing. Allele origin: germline.